The following is an entry in ClinVar:

ClinVar aggregate classification (germline): Pathogenic/Likely pathogenic. Review status: criteria provided, multiple submitters, no conflicts (2 of 4 stars). 6 submissions from 6 submitters: Pathogenic (3); Likely pathogenic (3). Last evaluated 2025-08-29.

Conditions:
Polycystic kidney disease 4 (PKD4). Also called: PKD3; POLYCYSTIC KIDNEY DISEASE 4 WITH OR WITHOUT POLYCYSTIC LIVER DISEASE; POLYCYSTIC KIDNEY AND HEPATIC DISEASE 1; POLYCYSTIC KIDNEY DISEASE, INFANTILE, TYPE I; Autosomal Recessive Polycystic Kidney Disease – PKHD1. Identifiers: MedGen C4540575, MONDO:0033004, OMIM 263200.
Autosomal recessive polycystic kidney disease (ARPKD). Also called: AR polycystic kidney disease. Identifiers: Orphanet 731, Orphanet 8378, MedGen C0085548, MeSH D017044, MONDO:0009889.
PKHD1-related disorder. Also called: PKHD1-related condition.

Allele frequency attached by ClinVar (database versions not stated): ExAC 0.00002; gnomAD exomes 0.00002.
gnomAD v4.1: 10 of 1,613,816 alleles (0.00062%); highest among the groups gnomAD compares: South Asian, 0.0077%; no homozygotes.

Submissions (6):

Natera, Inc.
Classification: Likely pathogenic for Autosomal recessive polycystic kidney disease. Last evaluated: 2025-08-29. Review status: criteria provided, single submitter. Criteria: Natera Variant Classification Schema (03/2026). Collection method: clinical testing. Allele origin: germline.
Comment: The c.10906C>T variant in PKHD1 is a nonsense variant predicted to introduce a stop codon at amino acid 3636. This variant is expected to result in nonsense mediated decay, truncation, or a dysfunctional protein product. This variant is rare in the general population with a frequency below the threshold expected for the associated phenotype(s). Given the available evidence, this variant is classified as Likely Pathogenic.

Women's Health and Genetics/Laboratory Corporation of America, LabCorp
Classification: Pathogenic for Autosomal recessive polycystic kidney disease. Last evaluated: 2024-12-13. Review status: criteria provided, single submitter. Criteria: LabCorp Variant Classification Summary - May 2015. Collection method: clinical testing. Allele origin: germline.
Comment: Variant summary: PKHD1 c.10906C>T (p.Gln3636X) results in a premature termination codon, predicted to cause a truncation of the encoded protein or absence of the protein due to nonsense mediated decay, which are commonly known mechanisms for disease. The variant allele was found at a frequency of 2e-05 in 250912 control chromosomes. To our knowledge, no occurrence of c.10906C>T in individuals affected with Polycystic Kidney And Hepatic Disease and no experimental evidence demonstrating its impact on protein function have been reported. ClinVar contains an entry for this variant (Variation ID: 845029). Based on the evidence outlined above, the variant was classified as pathogenic.

GeneDx
Classification: Pathogenic. Last evaluated: 2024-05-17. Review status: criteria provided, single submitter. Criteria: GeneDx Variant Classification Process June 2021. Collection method: clinical testing. Allele origin: germline. Affected: yes.
Comment: Nonsense variant predicted to result in protein truncation or nonsense mediated decay in a gene for which loss of function is a known mechanism of disease; Not observed at significant frequency in large population cohorts (gnomAD); Has not been previously published as pathogenic or benign to our knowledge

Johns Hopkins Genomics, Johns Hopkins University
Classification: Likely pathogenic for Polycystic kidney disease 4. Last evaluated: 2024-03-25. Review status: criteria provided, single submitter. Criteria: ACMG Guidelines, 2015. Collection method: clinical testing. Allele origin: germline.
Comment: This PKHD1 variant (rs765934021) is rare (<0.1%) in a large population dataset (gnomAD v4.0.0: 10/628502 total alleles; 0.002%; no homozygotes). It has been reported in ClinVar (Variation ID 845029), but has not been reported in the literature, to our knowledge. This nonsense variant results in a premature stop codon in exon 61 of 67, likely leading to nonsense-mediated decay and lack of protein production. We consider c.10906C>T in PKHD1 to be likely pathogenic.

Labcorp Genetics (formerly Invitae), Labcorp
Classification: Pathogenic for Autosomal recessive polycystic kidney disease. Last evaluated: 2023-04-06. Review status: criteria provided, single submitter. Criteria: Invitae Variant Classification Sherloc (09022015). Collection method: clinical testing. Allele origin: germline.
Comment: For these reasons, this variant has been classified as Pathogenic. ClinVar contains an entry for this variant (Variation ID: 845029). This variant has not been reported in the literature in individuals affected with PKHD1-related conditions. This variant is present in population databases (rs765934021, gnomAD 0.01%). This sequence change creates a premature translational stop signal (p.Gln3636*) in the PKHD1 gene. It is expected to result in an absent or disrupted protein product. Loss-of-function variants in PKHD1 are known to be pathogenic (PMID: 19940839).

Blueprint Genetics
Classification: Likely pathogenic for PKHD1-related disorders. Last evaluated: 2022-07-07. Review status: criteria provided, single submitter. Criteria: ACMG Guidelines, 2015. Collection method: clinical testing. Allele origin: germline. Affected: yes. Observed: 1 variant allele.

Literature cited by the submitters: PubMed 19940839 (cited by Labcorp Genetics (formerly Invitae), Labcorp).

NM_138694.4(PKHD1):c.10906C>T (p.Gln3636Ter)

Gene: PKHD1 (PKHD1 ciliary IPT domain containing fibrocystin/polyductin; minus strand). Cytogenetic location: 6p12.3.
Variant type: single nucleotide variant.
Coding change: c.10906C>T on transcript NM_138694.4 (MANE Select); coding-DNA position 10906, C replaced by T.
Protein change: p.Gln3636Ter; replaces glutamine 3636 with a stop codon.
Molecular consequence: nonsense.
Genome position (GRCh38, 1-based): chr6:51,659,220, G>A on the plus strand (C>T on the coding strand, the complement: PKHD1 is on the minus strand). VCF-style: chr6-51659220-G-A. GRCh37 (hg19) VCF-style: chr6-51524018-G-A.
Other names: short protein forms Q3636*.
Identifiers: ClinVar variation 845029 (VCV000845029.13), dbSNP rs765934021, ClinGen allele CA3850992.
Genomic context (GRCh38, chr6:51,659,220, plus strand): 5'-CCACAGTCATTGGGGGTGAAGCCCTATGTGAGTTCATTTCCATCATGAGAGGCCTACGTT[G>A]ACCAACTCTTCTATAATGACTAGTGCAAGTCACAGTAGGGCAATTGCGCTTTCTTTTTGC-3'